The following is an entry in ClinVar:

ClinVar aggregate classification (germline): Likely benign (1 of 4 stars; one submission).

gnomAD v4.1: 91 of 1,202,340 alleles (0.0076%); highest among the groups gnomAD compares: Admixed American, 0.089%; 1 homozygote.

Submission:

CeGaT Center for Human Genetics Tuebingen
Classification: Likely benign. Last evaluated: 2026-01-01. Review status: criteria provided, single submitter. Criteria: CeGaT Center For Human Genetics Tuebingen Variant Classification Criteria Version 2. Collection method: clinical testing. Allele origin: germline. Affected: yes. Observed: 1 variant allele.
Comment: TFE3: BS2

NM_006521.6(TFE3):c.469G>A (p.Val157Ile)

Gene: TFE3 (transcription factor binding to IGHM enhancer 3; minus strand). Cytogenetic location: Xp11.23.
Variant type: single nucleotide variant.
Coding change: c.469G>A on transcript NM_006521.6 (MANE Select); coding-DNA position 469, G replaced by A.
Protein change: p.Val157Ile; replaces valine 157 with isoleucine.
Molecular consequence: missense variant.
Genome position (GRCh38, 1-based): chrX:49,039,172, C>T on the plus strand (G>A on the coding strand, the complement: TFE3 is on the minus strand). VCF-style: chrX-49039172-C-T. GRCh37 (hg19) VCF-style: chrX-48896697-C-T.
Other names: c.154G>A, p.Val52Ile (NM_001282142.2); short protein forms V157I, V52I.
Identifiers: ClinVar variation 4821322 (VCV004821322.4).